The following is an entry in ClinVar:

NM_000257.4(MYH7):c.2039C>T (p.Ser680Phe)

Gene: MYH7 (myosin heavy chain 7; minus strand). Cytogenetic location: 14q11.2.
Variant type: single nucleotide variant.
Coding change: c.2039C>T on transcript NM_000257.4 (MANE Select); coding-DNA position 2039, C replaced by T.
Protein change: p.Ser680Phe; replaces serine 680 with phenylalanine.
Molecular consequence: missense variant.
Genome position (GRCh38, 1-based): chr14:23,426,782, G>A on the plus strand (C>T on the coding strand, the complement: MYH7 is on the minus strand). VCF-style: chr14-23426782-G-A. GRCh37 (hg19) VCF-style: chr14-23895991-G-A.
Other names: c.2039C>T (NM_000257.2); short protein forms S680F.
Identifiers: ClinVar variation 921593 (VCV000921593.13), dbSNP rs1175481910, ClinGen allele CA389049261.

ClinVar aggregate classification (germline): Uncertain significance. Review status: criteria provided, multiple submitters, no conflicts (2 of 4 stars). 6 submissions from 6 submitters: Uncertain significance (6). Last evaluated 2025-11-22.

Conditions:
Cardiovascular phenotype. Identifiers: MedGen CN230736.
Cardiomyopathy (CMYO). Also called: Cardiomyopathies. Identifiers: Orphanet 167848, MedGen C0878544, MONDO:0004994, HP:0001638. Inheritance: Various modes of inheritance.
Hypertrophic cardiomyopathy. Also called: HYPERTROPHIC MYOCARDIOPATHY. Identifiers: Orphanet 217569, MedGen C0007194, MeSH D002312, MONDO:0005045, HP:0001639.

Allele frequency attached by ClinVar (database versions not stated): gnomAD exomes below 0.00001 and 0.00001; TOPMed below 0.00001; gnomAD 0.00001.

Submissions (6):

Labcorp Genetics (formerly Invitae), Labcorp
Classification: Uncertain significance for Hypertrophic cardiomyopathy. Last evaluated: 2025-11-22. Review status: criteria provided, single submitter. Criteria: Invitae Variant Classification Sherloc (09022015). Collection method: clinical testing. Allele origin: germline.
Comment: This sequence change replaces serine, which is neutral and polar, with phenylalanine, which is neutral and non-polar, at codon 680 of the MYH7 protein (p.Ser680Phe). This variant is present in population databases (no rsID available, gnomAD 0.002%). This variant has not been reported in the literature in individuals affected with MYH7-related conditions. ClinVar contains an entry for this variant (Variation ID: 921593). Invitae Evidence Modeling of protein sequence and biophysical properties (such as structural, functional, and spatial information, amino acid conservation, physicochemical variation, residue mobility, and thermodynamic stability) indicates that this missense variant is expected to disrupt MYH7 protein function with a positive predictive value of 95%. In summary, the available evidence is currently insufficient to determine the role of this variant in disease. Therefore, it has been classified as a Variant of Uncertain Significance.

GeneDx
Classification: Uncertain significance. Last evaluated: 2024-06-04. Review status: criteria provided, single submitter. Criteria: GeneDx Variant Classification Process June 2021. Collection method: clinical testing. Allele origin: germline. Affected: yes.
Comment: Has not been previously published as pathogenic or benign to our knowledge; Not observed at significant frequency in large population cohorts (gnomAD); In silico analysis supports that this missense variant has a deleterious effect on protein structure/function; This variant is associated with the following publications: (PMID: 27532257, 29300372)

All of Us Research Program, National Institutes of Health
Classification: Uncertain significance for Cardiomyopathy. Last evaluated: 2023-12-01. Review status: criteria provided, single submitter. Criteria: ACMG Guidelines, 2015. Collection method: clinical testing. Allele origin: germline. Inheritance: Autosomal dominant inheritance. Observed: 1 variant allele, 1 heterozygote.
Comment: This study involves interpretation of variants in research participants for the purpose of population health screening. Participant phenotype was not available at the time of variant classification. Additional details can be found in publication PMID: 35346344, PMCID: PMC8962531

Blueprint Genetics
Classification: Uncertain significance. Last evaluated: 2023-06-16. Review status: criteria provided, single submitter. Criteria: ACMG Guidelines, 2015. Collection method: clinical testing. Allele origin: germline.

Ambry Genetics
Classification: Uncertain significance for Cardiovascular phenotype. Last evaluated: 2022-03-08. Review status: criteria provided, single submitter. Criteria: Ambry Variant Classification Scheme 2023. Collection method: clinical testing. Allele origin: germline.
Comment: The p.S680F variant (also known as c.2039C>T), located in coding exon 16 of the MYH7 gene, results from a C to T substitution at nucleotide position 2039. The serine at codon 680 is replaced by phenylalanine, an amino acid with highly dissimilar properties. This alteration is located in the myosin head domain, which contains a statistically significant clustering of pathogenic missense variants (Homburger JR et al. Proc Natl Acad Sci U S A, 2016 06;113:6701-6; Walsh R et al. Genet Med, 2017 02;19:192-203; Ambry internal data). This amino acid position is not well conserved in available vertebrate species. In addition, this alteration is predicted to be tolerated by in silico analysis. Since supporting evidence is limited at this time, the clinical significance of this alteration remains unclear.

Color Diagnostics, LLC DBA Color Health
Classification: Uncertain significance for Cardiomyopathy. Last evaluated: 2021-03-22. Review status: criteria provided, single submitter. Criteria: ACMG Guidelines, 2015. Collection method: clinical testing. Allele origin: germline.
Comment: This missense variant replaces serine with phenylalanine at codon 680 of the MYH7 protein. Computational prediction suggests that this variant may not impact protein structure and function (internally defined REVEL score threshold <= 0.5, PMID: 27666373). To our knowledge, functional studies have not been reported for this variant. This variant has not been reported in individuals affected with cardiovascular disorders in the literature. This variant has been identified in 2/251476 chromosomes in the general population by the Genome Aggregation Database (gnomAD). The available evidence is insufficient to determine the role of this variant in disease conclusively. Therefore, this variant is classified as a Variant of Uncertain Significance.